The following is an entry in ClinVar:

NM_003106.4(SOX2):c.231C>A (p.Ala77=)

Genes: SOX2 (SRY-box transcription factor 2; plus strand), SOX2-OT (SOX2 overlapping transcript; plus strand), LOC108281177 (SOX2 5' regulatory region; plus strand). Cytogenetic location: 3q26.33.
Variant type: single nucleotide variant.
Coding change: c.231C>A on transcript NM_003106.4 (MANE Select); coding-DNA position 231, C replaced by A.
Protein change: p.Ala77=; no amino-acid change (alanine 77 retained).
Molecular consequence: synonymous variant.
Genome position (GRCh38, 1-based): chr3:181,712,591, C>A. VCF-style: chr3-181712591-C-A. GRCh37 (hg19) VCF-style: chr3-181430379-C-A.
Identifiers: ClinVar variation 705427 (VCV000705427.10), dbSNP rs201190086, ClinGen allele CA2717253.

ClinVar aggregate classification (germline): Benign. Review status: criteria provided, single submitter (1 of 4 stars). 2 submissions from 2 submitters: Benign (1). 1 of the submissions does not count toward it. Last evaluated 2023-10-13.

Conditions:
SOX2-related disorder. Also called: SOX2-related condition.
Anophthalmia/microphthalmia-esophageal atresia syndrome (MCOPS3). Also called: AEG SYNDROME; SOX2 Disorder; MICROPHTHALMIA AND ESOPHAGEAL ATRESIA SYNDROME. Identifiers: Orphanet 77298, MedGen C1859773, MONDO:0008799, OMIM 206900.

Allele frequency attached by ClinVar (database versions not stated): ESP Exome Variant Server 0.00008; ExAC 0.00009; gnomAD 0.00009 and 0.00011; TOPMed 0.00009; gnomAD exomes 0.00010.

Submissions (2):

Labcorp Genetics (formerly Invitae), Labcorp
Classification: Benign for Anophthalmia/microphthalmia-esophageal atresia syndrome. Last evaluated: 2023-10-13. Review status: criteria provided, single submitter. Criteria: Invitae Variant Classification Sherloc (09022015). Collection method: clinical testing. Allele origin: germline.

PreventionGenetics, part of Exact Sciences
Classification: Likely benign for SOX2-related condition. Last evaluated: 2020-11-24. Review status: no assertion criteria provided. Collection method: clinical testing. Allele origin: germline. Not counted in ClinVar's aggregate classification.
Comment: This variant is classified as likely benign based on ACMG/AMP sequence variant interpretation guidelines (Richards et al. 2015 PMID: 25741868, with internal and published modifications).